The following is an entry in ClinVar:

NM_004655.4(AXIN2):c.2482C>T (p.Leu828Phe)

Gene: AXIN2 (axin 2; minus strand). Cytogenetic location: 17q24.1.
Variant type: single nucleotide variant.
Coding change: c.2482C>T on transcript NM_004655.4 (MANE Select); coding-DNA position 2482, C replaced by T.
Protein change: p.Leu828Phe; replaces leucine 828 with phenylalanine.
Molecular consequence: missense variant.
Genome position (GRCh38, 1-based): chr17:65,530,026, G>A on the plus strand (C>T on the coding strand, the complement: AXIN2 is on the minus strand). VCF-style: chr17-65530026-G-A. GRCh37 (hg19) VCF-style: chr17-63526144-G-A.
Other names: c.2287C>T, p.Leu763Phe (NM_001363813.1); short protein forms L763F, L828F.
Identifiers: ClinVar variation 5032636 (VCV005032636.1).

ClinVar aggregate classification (germline): Uncertain significance (1 of 4 stars; one submission).

Conditions:
Hereditary cancer-predisposing syndrome. Also called: Neoplastic Syndromes, Hereditary; Tumor predisposition; Hereditary neoplastic syndrome; Hereditary Cancer Syndrome. Identifiers: Orphanet 140162, MedGen C0027672, MeSH D009386, MONDO:0015356.

Submission:

Ambry Genetics
Classification: Uncertain significance for Hereditary cancer-predisposing syndrome. Last evaluated: 2026-07-07. Review status: criteria provided, single submitter. Criteria: Ambry Variant Classification Scheme 2023. Collection method: clinical testing. Allele origin: germline.
Comment: The p.L828F variant (also known as c.2482C>T), located in coding exon 10 of the AXIN2 gene, results from a C to T substitution at nucleotide position 2482. The leucine at codon 828 is replaced by phenylalanine, an amino acid with highly similar properties. This amino acid position is conserved. In addition, this alteration is predicted to be deleterious by in silico analysis. Based on the available evidence, the clinical significance of this variant remains unclear.